The following is an entry in ClinVar:

NM_000393.5(COL5A2):c.1258-91T>G

Gene: COL5A2 (collagen type V alpha 2 chain; minus strand). Cytogenetic location: 2q32.2.
Variant type: single nucleotide variant.
Coding change: c.1258-91T>G on transcript NM_000393.5 (MANE Select); 91 bases into the intron before coding-DNA position 1258, T replaced by G.
Molecular consequence: intron variant.
Genome position (GRCh38, 1-based): chr2:189,068,361, A>C on the plus strand (T>G on the coding strand, the complement: COL5A2 is on the minus strand). VCF-style: chr2-189068361-A-C. GRCh37 (hg19) VCF-style: chr2-189933087-A-C.
Identifiers: ClinVar variation 675260 (VCV000675260.2), dbSNP rs184264860, ClinGen allele CA62556696.

ClinVar aggregate classification (germline): Likely benign. Review status: criteria provided, multiple submitters, no conflicts (2 of 4 stars). 2 submissions from 2 submitters: Likely benign (2). Last evaluated 2018-06-16.

Allele frequency attached by ClinVar (database versions not stated): 1000 Genomes Project 30x 0.00125; 1000 Genomes Project 0.00160; TOPMed 0.00513.
gnomAD v4.1: 8,819 of 1,111,186 alleles (0.79%); highest among the groups gnomAD compares: Non-Finnish European, 0.95%; 52 homozygotes.

Submissions (2):

GeneDx
Classification: Likely benign. Last evaluated: 2018-06-16. Review status: criteria provided, single submitter. Criteria: GeneDx Variant Classification (06012015). Collection method: clinical testing. Allele origin: germline. Affected: yes.
Comment: This variant is considered likely benign or benign based on one or more of the following criteria: it is a conservative change, it occurs at a poorly conserved position in the protein, it is predicted to be benign by multiple in silico algorithms, and/or has population frequency not consistent with disease.

Breakthrough Genomics
Classification: Likely benign. Review status: criteria provided, single submitter. Criteria: ACMG Guidelines, 2015. Collection method: not provided. Allele origin: germline. Inheritance: Autosomal dominant inheritance. Affected: yes.